The following is an entry in ClinVar:

ClinVar aggregate classification (germline): Likely benign (1 of 4 stars; one submission).

Allele frequency attached by ClinVar (database versions not stated): TOPMed below 0.00001; ExAC 0.00001; gnomAD exomes 0.00001.
gnomAD v4.1: 9 of 1,613,294 alleles (0.00056%); highest among the groups gnomAD compares: Non-Finnish European, 0.00068%; no homozygotes.

Submission:

CeGaT Center for Human Genetics Tuebingen
Classification: Likely benign. Last evaluated: 2023-08-01. Review status: criteria provided, single submitter. Criteria: CeGaT Center For Human Genetics Tuebingen Variant Classification Criteria Version 2. Collection method: clinical testing. Allele origin: germline. Affected: yes. Observed: 1 variant allele.
Comment: MED23: BP4, BP7

NM_004830.4(MED23):c.1524T>G (p.Pro508=)

Gene: MED23 (mediator complex subunit 23; minus strand). Cytogenetic location: 6q23.2.
Variant type: single nucleotide variant.
Coding change: c.1524T>G on transcript NM_004830.4 (MANE Select); coding-DNA position 1524, T replaced by G.
Protein change: p.Pro508=; no amino-acid change (proline 508 retained).
Molecular consequence: synonymous variant.
Genome position (GRCh38, 1-based): chr6:131,605,329, A>C on the plus strand (T>G on the coding strand, the complement: MED23 is on the minus strand). VCF-style: chr6-131605329-A-C. GRCh37 (hg19) VCF-style: chr6-131926469-A-C.
Other names: c.1524T>G, p.Pro508= (NM_001270521.2, NM_001270522.2, NM_001376519.1 and 3 more transcripts); c.1542T>G, p.Pro514= (NM_001376517.1, NM_015979.4); c.1470T>G, p.Pro490= (NM_001376518.1); c.1383T>G, p.Pro461= (NM_001376520.1); c.1269T>G, p.Pro423= (NM_001376523.1).
Identifiers: ClinVar variation 2656912 (VCV002656912.24), dbSNP rs775234462, ClinGen allele CA3999983.